The following is an entry in ClinVar:

NM_006904.7(PRKDC):c.6702C>G (p.Asn2234Lys)

Gene: PRKDC (protein kinase, DNA-activated, catalytic subunit; minus strand). Cytogenetic location: 8q11.21.
Variant type: single nucleotide variant.
Coding change: c.6702C>G on transcript NM_006904.7 (MANE Select); coding-DNA position 6702, C replaced by G.
Protein change: p.Asn2234Lys; replaces asparagine 2234 with lysine.
Molecular consequence: missense variant.
Genome position (GRCh38, 1-based): chr8:47,855,281, G>C on the plus strand (C>G on the coding strand, the complement: PRKDC is on the minus strand). VCF-style: chr8-47855281-G-C. GRCh37 (hg19) VCF-style: chr8-48767842-G-C.
Other names: c.6702C>G, p.Asn2234Lys (NM_001081640.2); short protein forms N2234K.
Identifiers: ClinVar variation 1755012 (VCV001755012.2), dbSNP rs2551869477, ClinGen allele CA371159395.

ClinVar aggregate classification (germline): Uncertain significance (1 of 4 stars; one submission).

Submission:

Ambry Genetics
Classification: Uncertain significance. Last evaluated: 2022-10-12. Review status: criteria provided, single submitter. Criteria: Ambry Variant Classification Scheme 2023. Collection method: clinical testing. Allele origin: germline.
Comment: The p.N2234K variant (also known as c.6702C>G), located in coding exon 50 of the PRKDC gene, results from a C to G substitution at nucleotide position 6702. The asparagine at codon 2234 is replaced by lysine, an amino acid with similar properties. This amino acid position is conserved. In addition, the in silico prediction for this alteration is inconclusive. Since supporting evidence is limited at this time, the clinical significance of this alteration remains unclear.